The following is an entry in ClinVar:

NM_001079843.3(CASZ1):c.977G>T (p.Arg326Leu)

Gene: CASZ1 (castor zinc finger 1; minus strand). Cytogenetic location: 1p36.22.
Variant type: single nucleotide variant.
Coding change: c.977G>T on transcript NM_001079843.3 (MANE Select); coding-DNA position 977, G replaced by T.
Protein change: p.Arg326Leu; replaces arginine 326 with leucine.
Molecular consequence: missense variant.
Genome position (GRCh38, 1-based): chr1:10,660,065, C>A on the plus strand (G>T on the coding strand, the complement: CASZ1 is on the minus strand). VCF-style: chr1-10660065-C-A. GRCh37 (hg19) VCF-style: chr1-10720122-C-A.
Other names: c.977G>T (NM_001079843.1); c.977G>T, p.Arg326Leu (NM_017766.5); short protein forms R326L.
Identifiers: ClinVar variation 1901224 (VCV001901224.6), dbSNP rs372248785, ClinGen allele CA338376677.

ClinVar aggregate classification (germline): Uncertain significance. Review status: criteria provided, multiple submitters, no conflicts (2 of 4 stars). 2 submissions from 2 submitters: Uncertain significance (2). Last evaluated 2026-02-16.

gnomAD v4.1: 1 of 1,614,164 alleles (0.000062%); highest among the groups gnomAD compares: South Asian, 0.0011%; no homozygotes.

Submissions (2):

Ambry Genetics
Classification: Uncertain significance. Last evaluated: 2026-02-16. Review status: criteria provided, single submitter. Criteria: Ambry Variant Classification Scheme 2023. Collection method: clinical testing. Allele origin: germline.

Labcorp Genetics (formerly Invitae), Labcorp
Classification: Uncertain significance. Last evaluated: 2022-11-10. Review status: criteria provided, single submitter. Criteria: Invitae Variant Classification Sherloc (09022015). Collection method: clinical testing. Allele origin: germline.
Comment: This sequence change replaces arginine, which is basic and polar, with leucine, which is neutral and non-polar, at codon 326 of the CASZ1 protein (p.Arg326Leu). This variant is not present in population databases (gnomAD no frequency). This variant has not been reported in the literature in individuals affected with CASZ1-related conditions. Algorithms developed to predict the effect of missense changes on protein structure and function are either unavailable or do not agree on the potential impact of this missense change (SIFT: "Deleterious"; PolyPhen-2: "Possibly Damaging"; Align-GVGD: "Class C0"). In summary, the available evidence is currently insufficient to determine the role of this variant in disease. Therefore, it has been classified as a Variant of Uncertain Significance.